The following is an entry in ClinVar:

ClinVar aggregate classification (germline): Conflicting classifications of pathogenicity. Review status: criteria provided, conflicting classifications (1 of 4 stars). 2 submissions from 2 submitters: Uncertain significance (1); Likely benign (1). Last evaluated 2024-09-26.

Conditions:
Cardiovascular phenotype. Identifiers: MedGen CN230736.

Allele frequency attached by ClinVar (database versions not stated): TOPMed 0.00001; gnomAD 0.00002 and 0.00003; gnomAD exomes 0.00002; 1000 Genomes Project 0.00020; 1000 Genomes Project 30x 0.00031.
gnomAD v4.1: 48 of 1,577,536 alleles (0.003%); highest among the groups gnomAD compares: East Asian, 0.014%; no homozygotes.

Submissions (2):

Ambry Genetics
Classification: Likely benign for Cardiovascular phenotype. Last evaluated: 2024-09-26. Review status: criteria provided, single submitter. Criteria: Ambry Variant Classification Scheme 2023. Collection method: clinical testing. Allele origin: germline.

GeneDx
Classification: Uncertain significance. Last evaluated: 2023-04-10. Review status: criteria provided, single submitter. Criteria: GeneDx Variant Classification Process June 2021. Collection method: clinical testing. Allele origin: germline. Affected: yes.
Comment: Has not been previously published as pathogenic or benign to our knowledge; Not observed at significant frequency in large population cohorts (gnomAD); In silico analysis supports that this missense variant has a deleterious effect on protein structure/function

NM_001365276.2(TNXB):c.1252C>T (p.Arg418Cys)

Gene: TNXB (tenascin XB; minus strand). Cytogenetic location: 6p21.33.
Variant type: single nucleotide variant.
Coding change: c.1252C>T on transcript NM_001365276.2 (MANE Select); coding-DNA position 1252, C replaced by T.
Protein change: p.Arg418Cys; replaces arginine 418 with cysteine.
Molecular consequence: missense variant.
Genome position (GRCh38, 1-based): chr6:32,096,601, G>A on the plus strand (C>T on the coding strand, the complement: TNXB is on the minus strand). VCF-style: chr6-32096601-G-A. GRCh37 (hg19) VCF-style: chr6-32064378-G-A.
Other names: c.1252C>T, p.Arg418Cys (NM_019105.8); short protein forms R418C.
Identifiers: ClinVar variation 1210887 (VCV001210887.8), dbSNP rs570402166, ClinGen allele CA3735712.
Genomic context (GRCh38, chr6:32,096,601, plus strand): 5'-CGCGTGGGCAGGCGCGCGAGCCGCAATCGGTTCCAGTGTACCCCGGCCAGCACACGCAGC[G>A]GCCGTCCTCGCAGCGGCCCCTTTGGTTGCAGTCGCCAGGGCAGCTGCGCACGCCGCAGTC-3'
Protein context (NP_001352205.1, residues 408-428): CNQRGRCEDG[Arg418Cys]CVCWPGYTGT